The following is an entry in ClinVar:

NM_004329.3(BMPR1A):c.872T>C (p.Phe291Ser)

Gene: BMPR1A (bone morphogenetic protein receptor type 1A; plus strand). Cytogenetic location: 10q23.2.
Variant type: single nucleotide variant.
Coding change: c.872T>C on transcript NM_004329.3 (MANE Select); coding-DNA position 872, T replaced by C.
Protein change: p.Phe291Ser; replaces phenylalanine 291 with serine.
Molecular consequence: missense variant. On other transcripts: non-coding transcript variant (3).
Genome position (GRCh38, 1-based): chr10:86,919,175, T>C. VCF-style: chr10-86919175-T-C. GRCh37 (hg19) VCF-style: chr10-88678932-T-C.
Other names: c.872T>C, p.Phe291Ser (NM_001406575.1, NM_001406576.1, NM_001406577.1 and 19 more transcripts); c.866T>C, p.Phe289Ser (NM_001406583.1); c.788T>C, p.Phe263Ser (NM_001406584.1, NM_001406585.1, NM_001406586.1 and 2 more transcripts); c.947T>C, p.Phe316Ser (NM_001406559.1); c.920T>C, p.Phe307Ser (NM_001406560.1); c.530T>C, p.Phe177Ser (NM_001406589.1); short protein forms F316S, F289S, F177S, F307S, F263S, F291S.
Identifiers: ClinVar variation 4709740 (VCV004709740.1).

ClinVar aggregate classification (germline): Uncertain significance. Review status: criteria provided, multiple submitters, no conflicts (2 of 4 stars). 2 submissions from 2 submitters: Uncertain significance (2). Last evaluated 2025-10-26.

Conditions:
Hereditary cancer-predisposing syndrome. Also called: Hereditary Cancer Syndrome; Neoplastic Syndromes, Hereditary; Hereditary neoplastic syndrome; Tumor predisposition. Identifiers: Orphanet 140162, MedGen C0027672, MeSH D009386, MONDO:0015356.
Juvenile polyposis syndrome (JPS). Identifiers: Orphanet 2929, MedGen C0345893, MONDO:0017380, OMIM 174900.

Submissions (2):

Labcorp Genetics (formerly Invitae), Labcorp
Classification: Uncertain significance for Juvenile polyposis syndrome. Last evaluated: 2025-10-26. Review status: criteria provided, single submitter. Criteria: Invitae Variant Classification Sherloc (09022015). Collection method: clinical testing. Allele origin: germline.
Comment: This sequence change replaces phenylalanine, which is neutral and non-polar, with serine, which is neutral and polar, at codon 291 of the BMPR1A protein (p.Phe291Ser). This variant is not present in population databases (gnomAD no frequency). This missense change has been observed in individual(s) with gastrointestinal polyposis (PMID: 23399955). Invitae Evidence Modeling of protein sequence and biophysical properties (such as structural, functional, and spatial information, amino acid conservation, physicochemical variation, residue mobility, and thermodynamic stability) indicates that this missense variant is expected to disrupt BMPR1A protein function with a positive predictive value of 80%. In summary, the available evidence is currently insufficient to determine the role of this variant in disease. Therefore, it has been classified as a Variant of Uncertain Significance.

Color Diagnostics, LLC DBA Color Health
Classification: Uncertain significance for Hereditary cancer-predisposing syndrome. Last evaluated: 2025-06-05. Review status: criteria provided, single submitter. Criteria: ACMG Guidelines, 2015. Collection method: clinical testing. Allele origin: germline.
Comment: This missense variant replaces phenylalanine with serine at codon 291 of the BMPR1A protein. Computational prediction suggests that this variant may have deleterious impact on protein structure and function. To our knowledge, functional studies have not been reported for this variant. This variant has been reported in an individual affected with juvenile polyps in the literature (PMID: 23399955). This variant has not been identified in the general population by the Genome Aggregation Database (gnomAD). The available evidence is insufficient to determine the role of this variant in disease conclusively. Therefore, this variant is classified as a Variant of Uncertain Significance.

Literature cited by the submitters: PubMed 23399955 (cited by Labcorp Genetics (formerly Invitae), Labcorp and Color Diagnostics, LLC DBA Color Health).